The following is an entry in ClinVar:

ClinVar aggregate classification (germline): Likely benign. Review status: criteria provided, multiple submitters, no conflicts (2 of 4 stars). 3 submissions from 3 submitters: Likely benign (3). Last evaluated 2024-03-13.

Conditions:
Catecholaminergic polymorphic ventricular tachycardia (CVPT). Also called: Catecholamine-induced polymorphic ventricular tachycardia. Identifiers: Orphanet 3286, MedGen C5574922, MONDO:0017990.
Catecholaminergic polymorphic ventricular tachycardia 1. Also called: VENTRICULAR TACHYCARDIA, CATECHOLAMINERGIC POLYMORPHIC, 1, WITH OR WITHOUT ATRIAL DYSFUNCTION AND/OR DILATED CARDIOMYOPATHY; RYR2-Related Catecholaminergic Polymorphic Ventricular Tachycardia; VENTRICULAR TACHYCARDIA, STRESS-INDUCED POLYMORPHIC 1. Identifiers: Orphanet 3286, MedGen C1631597, MONDO:0011484, OMIM 604772.
Cardiomyopathy (CMYO). Also called: Cardiomyopathies. Identifiers: Orphanet 167848, MedGen C0878544, MONDO:0004994, HP:0001638. Inheritance: Various modes of inheritance.

Allele frequency attached by ClinVar (database versions not stated): gnomAD exomes 0.00001; ExAC 0.00002; TOPMed below 0.00001.
gnomAD v4.1: 8 of 1,570,618 alleles (0.00051%); highest among the groups gnomAD compares: East Asian, 0.018%; no homozygotes.

Submissions (3):

Labcorp Genetics (formerly Invitae), Labcorp
Classification: Likely benign for Catecholaminergic polymorphic ventricular tachycardia 1. Last evaluated: 2024-03-13. Review status: criteria provided, single submitter. Criteria: Invitae Variant Classification Sherloc (09022015). Collection method: clinical testing. Allele origin: germline.

All of Us Research Program, National Institutes of Health
Classification: Likely benign for Catecholaminergic polymorphic ventricular tachycardia. Last evaluated: 2023-06-26. Review status: criteria provided, single submitter. Criteria: ACMG Guidelines, 2015. Collection method: clinical testing. Allele origin: germline. Inheritance: Autosomal dominant inheritance. Observed: 1 variant allele, 1 heterozygote.
Comment: This study involves interpretation of variants in research participants for the purpose of population health screening. Participant phenotype was not available at the time of variant classification. Additional details can be found in publication PMID: 35346344, PMCID: PMC8962531

Color Diagnostics, LLC DBA Color Health
Classification: Likely benign for Cardiomyopathy. Last evaluated: 2019-03-24. Review status: criteria provided, single submitter. Criteria: ACMG Guidelines, 2015. Collection method: clinical testing. Allele origin: germline.

NM_001035.3(RYR2):c.2204-14T>G

Gene: RYR2 (ryanodine receptor 2; plus strand). Cytogenetic location: 1q43.
Variant type: single nucleotide variant.
Coding change: c.2204-14T>G on transcript NM_001035.3 (MANE Select); 14 bases into the intron before coding-DNA position 2204, T replaced by G.
Molecular consequence: intron variant.
Genome position (GRCh38, 1-based): chr1:237,500,697, T>G. VCF-style: chr1-237500697-T-G. GRCh37 (hg19) VCF-style: chr1-237663997-T-G.
Identifiers: ClinVar variation 924122 (VCV000924122.6), dbSNP rs767973692, ClinGen allele CA085983.